The following is an entry in ClinVar:

ClinVar aggregate classification (germline): Uncertain significance (1 of 4 stars; one submission).

gnomAD v4.1: 6 of 1,607,464 alleles (0.00037%); highest among the groups gnomAD compares: Non-Finnish European, 0.00043%; no homozygotes.

Submission:

Labcorp Genetics (formerly Invitae), Labcorp
Classification: Uncertain significance. Last evaluated: 2025-11-25. Review status: criteria provided, single submitter. Criteria: Invitae Variant Classification Sherloc (09022015). Collection method: clinical testing. Allele origin: germline.
Comment: This sequence change falls in intron 22 of the ITGAM gene. It does not directly change the encoded amino acid sequence of the ITGAM protein. It affects a nucleotide within the consensus splice site. This variant is present in population databases (rs777862728, gnomAD 0.003%). This variant has not been reported in the literature in individuals affected with ITGAM-related conditions. ClinVar contains an entry for this variant (Variation ID: 3616275). Variants that disrupt the consensus splice site are a relatively common cause of aberrant splicing (PMID: 17576681, 9536098). Algorithms developed to predict the effect of sequence changes on RNA splicing suggest that this variant is not likely to affect RNA splicing. In summary, the available evidence is currently insufficient to determine the role of this variant in disease. Therefore, it has been classified as a Variant of Uncertain Significance.

Literature cited by the submitters: PubMed 17576681; PubMed 9536098.

NM_000632.4(ITGAM):c.2708+6C>T

Gene: ITGAM (integrin subunit alpha M; plus strand). Cytogenetic location: 16p11.2.
Variant type: single nucleotide variant.
Coding change: c.2708+6C>T on transcript NM_000632.4 (MANE Select); 6 bases into the intron after coding-DNA position 2708, C replaced by T.
Molecular consequence: intron variant.
Genome position (GRCh38, 1-based): chr16:31,326,941, C>T. VCF-style: chr16-31326941-C-T. GRCh37 (hg19) VCF-style: chr16-31338262-C-T.
Other names: c.2711+6C>T (NM_001145808.2).
Identifiers: ClinVar variation 3616275 (VCV003616275.2).